The following is an entry in ClinVar:

ClinVar aggregate classification (germline): Uncertain significance (1 of 4 stars; one submission).

Conditions:
Muscular dystrophy-dystroglycanopathy (congenital with brain and eye anomalies), type a, 11 (MDDGA11). Also called: Muscular dystrophy-dystroglycanopathy (congenital with brain and eye anomalies, type A, 11; WALKER-WARBURG SYNDROME OR MUSCLE-EYE-BRAIN DISEASE, B3GALNT2-RELATED; Congenital muscular dystrophy-dystroglycanopathy with brain and eye anomalies, type A11. Identifiers: Orphanet 588, Orphanet 899, MedGen C3554638, MONDO:0014071, OMIM 615181.

Submission:

Labcorp Genetics (formerly Invitae), Labcorp
Classification: Uncertain significance for Muscular dystrophy-dystroglycanopathy (congenital with brain and eye anomalies), type a, 11. Last evaluated: 2021-10-14. Review status: criteria provided, single submitter. Criteria: Invitae Variant Classification Sherloc (09022015). Collection method: clinical testing. Allele origin: germline.
Comment: In summary, the available evidence is currently insufficient to determine the role of this variant in disease. Therefore, it has been classified as a Variant of Uncertain Significance. Algorithms developed to predict the effect of missense changes on protein structure and function are either unavailable or do not agree on the potential impact of this missense change (SIFT: "Deleterious"; PolyPhen-2: "Probably Damaging"; Align-GVGD: "Class C0"). This variant has not been reported in the literature in individuals affected with B3GALNT2-related conditions. This variant is not present in population databases (ExAC no frequency). This sequence change replaces leucine with valine at codon 215 of the B3GALNT2 protein (p.Leu215Val). The leucine residue is highly conserved and there is a small physicochemical difference between leucine and valine.

NM_152490.5(B3GALNT2):c.643T>G (p.Leu215Val)

Gene: B3GALNT2 (beta-1,3-N-acetylgalactosaminyltransferase 2; minus strand). Cytogenetic location: 1q42.3.
Variant type: single nucleotide variant.
Coding change: c.643T>G on transcript NM_152490.5 (MANE Select); coding-DNA position 643, T replaced by G.
Protein change: p.Leu215Val; replaces leucine 215 with valine.
Molecular consequence: missense variant.
Genome position (GRCh38, 1-based): chr1:235,480,062, A>C on the plus strand (T>G on the coding strand, the complement: B3GALNT2 is on the minus strand). VCF-style: chr1-235480062-A-C. GRCh37 (hg19) VCF-style: chr1-235643378-A-C.
Other names: c.766T>G, p.Leu256Val (NM_001277155.3); short protein forms L215V, L256V.
Identifiers: ClinVar variation 1440164 (VCV001440164.6), dbSNP rs2102834613, ClinGen allele CA344922443.